The following is an entry in ClinVar:

NM_001103.4(ACTN2):c.1975-6C>A

Gene: ACTN2 (actinin alpha 2; plus strand). Cytogenetic location: 1q43.
Variant type: single nucleotide variant.
Coding change: c.1975-6C>A on transcript NM_001103.4 (MANE Select); 6 bases into the intron before coding-DNA position 1975, C replaced by A.
Molecular consequence: intron variant.
Genome position (GRCh38, 1-based): chr1:236,755,013, C>A. VCF-style: chr1-236755013-C-A. GRCh37 (hg19) VCF-style: chr1-236918313-C-A.
Other names: c.1351-6C>A (NM_001278344.2); c.1975-6C>A (NM_001278343.2).
Identifiers: ClinVar variation 179584 (VCV000179584.10), dbSNP rs201255023, ClinGen allele CA184717.

ClinVar aggregate classification (germline): Conflicting classifications of pathogenicity. Review status: criteria provided, conflicting classifications (1 of 4 stars). 3 submissions from 3 submitters: Uncertain significance (1); Likely benign (2). Last evaluated 2024-07-11.

Conditions:
Dilated cardiomyopathy 1AA (CMD1AA). Also called: CARDIOMYOPATHY, DILATED, 1AA, WITH OR WITHOUT LEFT VENTRICULAR NONCOMPACTION; CARDIOMYOPATHY, FAMILIAL HYPERTROPHIC, 23, WITH OR WITHOUT LEFT VENTRICULAR NONCOMPACTION; Cardiomyopathy, dilated, 1AA, with or without LVNC. Identifiers: Orphanet 154, MedGen C2677338, MONDO:0012808, OMIM 612158.
Primary familial hypertrophic cardiomyopathy (HCM). Identifiers: Orphanet 99739, MedGen C0949658, MeSH D024741, MONDO:0024573. Inheritance: Various modes of inheritance.

Allele frequency attached by ClinVar (database versions not stated): TOPMed 0.00001; 1000 Genomes Project 0.00040; 1000 Genomes Project 30x 0.00047.
gnomAD v4.1: 10 of 1,614,188 alleles (0.00062%); highest among the groups gnomAD compares: East Asian, 0.0022%; no homozygotes.

Submissions (3):

Labcorp Genetics (formerly Invitae), Labcorp
Classification: Likely benign for Primary familial hypertrophic cardiomyopathy; Dilated cardiomyopathy 1AA. Last evaluated: 2024-07-11. Review status: criteria provided, single submitter. Criteria: Invitae Variant Classification Sherloc (09022015). Collection method: clinical testing. Allele origin: germline.

GeneDx
Classification: Likely benign. Last evaluated: 2016-11-23. Review status: criteria provided, single submitter. Criteria: GeneDx Variant Classification (06012015). Collection method: clinical testing. Allele origin: germline. Affected: yes.
Comment: This variant is considered likely benign or benign based on one or more of the following criteria: it is a conservative change, it occurs at a poorly conserved position in the protein, it is predicted to be benign by multiple in silico algorithms, and/or has population frequency not consistent with disease.

Laboratory for Molecular Medicine, Mass General Brigham Personalized Medicine
Classification: Uncertain significance. Last evaluated: 2014-02-17. Review status: criteria provided, single submitter. Criteria: LMM Criteria. Collection method: clinical testing. Allele origin: germline. Observed: 1 variant allele.
Comment: The 1975-6C>A variant in ACTN2 has not been previously reported in individuals w ith cardiomyopathy or in large population studies. This variant is located in th e 3' splice region. Computational tools do not suggest an impact to splicing; ho wever, this information is not predictive enough to rule out pathogenicity. Addi tional information is needed to fully assess the clinical significance of the 19 75-6C>A variant.